The following is an entry in ClinVar:

ClinVar aggregate classification (germline): Uncertain significance (1 of 4 stars; one submission).

Conditions:
Desbuquois dysplasia 1 (DBQD1). Also called: MICROMELIC DWARFISM WITH VERTEBRAL AND METAPHYSEAL ABNORMALITIES AND ADVANCED CARPOTARSAL OSSIFICATION; DESBUQUOIS DYSPLASIA 1, KIM VARIANT. Identifiers: Orphanet 1425, MedGen C4012146, MONDO:0009629, OMIM 251450.

Allele frequency attached by ClinVar (database versions not stated): gnomAD exomes 0.00001.
gnomAD v4.1: 13 of 1,613,884 alleles (0.00081%); highest among the groups gnomAD compares: Non-Finnish European, 0.00085%; no homozygotes.

Submission:

Labcorp Genetics (formerly Invitae), Labcorp
Classification: Uncertain significance for Desbuquois dysplasia 1. Last evaluated: 2022-06-13. Review status: criteria provided, single submitter. Criteria: Invitae Variant Classification Sherloc (09022015). Collection method: clinical testing. Allele origin: germline.
Comment: This sequence change replaces alanine, which is neutral and non-polar, with threonine, which is neutral and polar, at codon 684 of the XYLT1 protein (p.Ala684Thr). This variant is not present in population databases (gnomAD no frequency). This variant has not been reported in the literature in individuals affected with XYLT1-related conditions. Algorithms developed to predict the effect of missense changes on protein structure and function (SIFT, PolyPhen-2, Align-GVGD) all suggest that this variant is likely to be tolerated. In summary, the available evidence is currently insufficient to determine the role of this variant in disease. Therefore, it has been classified as a Variant of Uncertain Significance.

NM_022166.4(XYLT1):c.2050G>A (p.Ala684Thr)

Gene: XYLT1 (xylosyltransferase 1; minus strand). Cytogenetic location: 16p12.3.
Variant type: single nucleotide variant.
Coding change: c.2050G>A on transcript NM_022166.4 (MANE Select); coding-DNA position 2050, G replaced by A.
Protein change: p.Ala684Thr; replaces alanine 684 with threonine.
Molecular consequence: missense variant.
Genome position (GRCh38, 1-based): chr16:17,127,839, C>T on the plus strand (G>A on the coding strand, the complement: XYLT1 is on the minus strand). VCF-style: chr16-17127839-C-T. GRCh37 (hg19) VCF-style: chr16-17221696-C-T.
Other names: short protein forms A684T.
Identifiers: ClinVar variation 2417781 (VCV002417781.3), dbSNP rs2506163190, ClinGen allele CA395219244.